The following is an entry in ClinVar:

ClinVar aggregate classification (germline): Pathogenic (1 of 4 stars; one submission).

Submission:

Labcorp Genetics (formerly Invitae), Labcorp
Classification: Pathogenic. Last evaluated: 2024-07-21. Review status: criteria provided, single submitter. Criteria: Invitae Variant Classification Sherloc (09022015). Collection method: clinical testing. Allele origin: germline.
Comment: This sequence change creates a premature translational stop signal (p.Ile2113Thrfs*37) in the NSD1 gene. While this is not anticipated to result in nonsense mediated decay, it is expected to disrupt the last 584 amino acid(s) of the NSD1 protein. This variant is not present in population databases (gnomAD no frequency). This variant has not been reported in the literature in individuals affected with NSD1-related conditions. This variant disrupts a region of the NSD1 protein in which other variant(s) (p.Gln2163*, p.Arg2187*, p.Glu2505Glyfs*73) have been determined to be pathogenic (PMID: 15742365, 16247291; Invitae). This suggests that this is a clinically significant region of the protein, and that variants that disrupt it are likely to be disease-causing. For these reasons, this variant has been classified as Pathogenic.

Literature cited by the submitters: PubMed 15742365; PubMed 16247291.

NM_022455.5(NSD1):c.6338del (p.Ile2113fs)

Gene: NSD1 (nuclear receptor binding SET domain protein 1; plus strand). Cytogenetic location: 5q35.3.
Variant type: Deletion.
Coding change: c.6338del on transcript NM_022455.5 (MANE Select); coding-DNA position 6338, one base deleted (T; older notation c.6338delT).
Protein change: p.Ile2113fs; shifts the reading frame from isoleucine 2113.
Molecular consequence: frameshift variant.
Genome position (GRCh38, 1-based): chr5:177,292,033, T deleted. VCF-style (leftmost placement, unchanged base first): chr5-177292032-AT-A. GRCh37 (hg19) VCF-style: chr5-176719033-AT-A.
Other names: c.5465del, p.Ile1822fs (NM_001365684.2, NM_001409308.1, NM_172349.5); c.6338del, p.Ile2113fs (NM_001409301.1, NM_001409302.1, NM_001409303.1); c.5918del, p.Ile1973fs (NM_001409304.1); c.5585del, p.Ile1862fs (NM_001409305.1); c.5576del, p.Ile1859fs (NM_001409306.1, NM_001409307.1); c.5216del, p.Ile1739fs (NM_001409309.1); short protein forms I1822fs, I1859fs, I1739fs, I1862fs, I1973fs, I2113fs.
Identifiers: ClinVar variation 3668966 (VCV003668966.2).